The following is an entry in ClinVar:

ClinVar aggregate classification (germline): Uncertain significance (1 of 4 stars; one submission).

Conditions:
Microcephaly-micromelia syndrome. Identifiers: Orphanet 572768, MedGen C1855079, MONDO:0009619, OMIM 251230.

Submission:

3billion
Classification: Uncertain significance for Microcephaly-micromelia syndrome. Last evaluated: 2025-10-06. Review status: criteria provided, single submitter. Criteria: ACMG Guidelines, 2015. Collection method: clinical testing. Allele origin: germline. Affected: yes.
Comment: The variant is not observed in the gnomAD v4.1.0 dataset. Predicted Consequence/Location: Intron variant In silico tools predict the variant to alter splicing and produce an abnormal transcript [SpliceAI: 0.54 (>=0.2, moderate evidence for spliceogenicity)]. Therefore, this variant is classified as VUS according to the recommendation of ACMG/AMP guideline.

NM_017613.4(DONSON):c.964+4A>G

Gene: DONSON (DNA replication fork stabilization factor DONSON; minus strand). Cytogenetic location: 21q22.11.
Variant type: single nucleotide variant.
Coding change: c.964+4A>G on transcript NM_017613.4 (MANE Select); 4 bases into the intron after coding-DNA position 964, A replaced by G.
Molecular consequence: intron variant.
Genome position (GRCh38, 1-based): chr21:33,583,484, T>C on the plus strand (A>G on the coding strand, the complement: DONSON is on the minus strand). VCF-style: chr21-33583484-T-C. GRCh37 (hg19) VCF-style: chr21-34955790-T-C.
Identifiers: ClinVar variation 4854896 (VCV004854896.1).